The following is an entry in ClinVar:

ClinVar aggregate classification (germline): Pathogenic (1 of 4 stars; one submission).

Conditions:
Arrhythmogenic cardiomyopathy with wooly hair and keratoderma. Also called: PALMOPLANTAR KERATODERMA WITH LEFT VENTRICULAR CARDIOMYOPATHY AND WOOLLY HAIR; Carvajal syndrome; Dilated cardiomyopathy with woolly hair and keratoderma; Arrhythmogenic cardiomyopathy with woolly hair and keratoderma. Identifiers: Orphanet 65282, MedGen C1854063, MONDO:0011581, OMIM 605676.

Submission:

All of Us Research Program, National Institutes of Health
Classification: Pathogenic for Arrhythmogenic cardiomyopathy with wooly hair and keratoderma. Last evaluated: 2023-08-23. Review status: criteria provided, single submitter. Criteria: ACMG Guidelines, 2015. Collection method: clinical testing. Allele origin: germline. Inheritance: Autosomal dominant inheritance. Observed: 1 variant allele, 1 heterozygote.
Comment: This variant changes 1 nucleotide in exon 7 of the DSP gene, creating a premature translation stop signal. This variant is expected to result in an absent or non-functional protein product. To our knowledge, this variant has not been reported in individuals affected with DSP-related disorders in the literature. This variant has not been identified in the general population by the Genome Aggregation Database (gnomAD). Loss of DSP function is a known mechanism of disease. Based on the available evidence, this variant is classified as Pathogenic.

This study involves interpretation of variants in research participants for the purpose of population health screening. Participant phenotype was not available at the time of variant classification. Additional details can be found in publication PMID: 35346344, PMCID: PMC8962531

NM_004415.4(DSP):c.855G>A (p.Trp285Ter)

Gene: DSP (desmoplakin; plus strand). Cytogenetic location: 6p24.3.
Variant type: single nucleotide variant.
Coding change: c.855G>A on transcript NM_004415.4 (MANE Select); coding-DNA position 855, G replaced by A.
Protein change: p.Trp285Ter; replaces tryptophan 285 with a stop codon.
Molecular consequence: nonsense.
Genome position (GRCh38, 1-based): chr6:7,565,436, G>A. VCF-style: chr6-7565436-G-A. GRCh37 (hg19) VCF-style: chr6-7565669-G-A.
Other names: c.855G>A, p.Trp285Ter (NM_001008844.3, NM_001319034.2, NM_001406591.1); short protein forms W285*.
Identifiers: ClinVar variation 3073039 (VCV003073039.1), dbSNP rs2533872416, ClinGen allele CA362674365.